The following is an entry in ClinVar:

ClinVar aggregate classification (germline): Uncertain significance. Review status: criteria provided, multiple submitters, no conflicts (2 of 4 stars). 3 submissions from 3 submitters: Uncertain significance (2). 1 of the submissions does not count toward it. Last evaluated 2023-01-22.

Conditions:
Hereditary cancer-predisposing syndrome. Also called: Neoplastic Syndromes, Hereditary; Hereditary Cancer Syndrome; Tumor predisposition; Hereditary neoplastic syndrome. Identifiers: Orphanet 140162, MedGen C0027672, MeSH D009386, MONDO:0015356.
Ataxia-telangiectasia syndrome (AT). Also called: Ataxia-telangiectasia, complementation group D; ATAXIA-TELANGIECTASIA, COMPLEMENTATION GROUP A; ATAXIA-TELANGIECTASIA, FRESNO VARIANT; Ataxia-telangiectasia; Ataxia-telangiectasia, complementation group E; LOUIS-BAR SYNDROME. Identifiers: Orphanet 100, MedGen C0004135, MONDO:0008840, OMIM 208900.
ATM-related disorder. Also called: ATM-related disorders; ATM-related condition.

gnomAD v4.1: 1 of 1,614,030 alleles (0.000062%); highest among the groups gnomAD compares: Non-Finnish European, 0.000085%; no homozygotes.

Submissions (3):

Ambry Genetics
Classification: Uncertain significance for Hereditary cancer-predisposing syndrome. Last evaluated: 2023-01-22. Review status: criteria provided, single submitter. Criteria: Ambry Variant Classification Scheme 2023. Collection method: clinical testing. Allele origin: germline.
Comment: The p.I1525M variant (also known as c.4575A>G), located in coding exon 29 of the ATM gene, results from an A to G substitution at nucleotide position 4575. The isoleucine at codon 1525 is replaced by methionine, an amino acid with highly similar properties. This amino acid position is conserved. In addition, this alteration is predicted to be tolerated by in silico analysis. Since supporting evidence is limited at this time, the clinical significance of this alteration remains unclear.

Labcorp Genetics (formerly Invitae), Labcorp
Classification: Uncertain significance for Ataxia-telangiectasia syndrome. Last evaluated: 2022-04-17. Review status: criteria provided, single submitter. Criteria: Invitae Variant Classification Sherloc (09022015). Collection method: clinical testing. Allele origin: germline.
Comment: This variant has not been reported in the literature in individuals affected with ATM-related conditions. This variant is not present in population databases (gnomAD no frequency). This sequence change replaces isoleucine, which is neutral and non-polar, with methionine, which is neutral and non-polar, at codon 1525 of the ATM protein (p.Ile1525Met). ClinVar contains an entry for this variant (Variation ID: 1038637). In summary, the available evidence is currently insufficient to determine the role of this variant in disease. Therefore, it has been classified as a Variant of Uncertain Significance. Advanced modeling of protein sequence and biophysical properties (such as structural, functional, and spatial information, amino acid conservation, physicochemical variation, residue mobility, and thermodynamic stability) performed at Invitae indicates that this missense variant is not expected to disrupt ATM protein function.

PreventionGenetics, part of Exact Sciences
Classification: Uncertain significance for ATM-related condition. Last evaluated: 2024-07-18. Review status: no assertion criteria provided. Collection method: clinical testing. Allele origin: germline. Not counted in ClinVar's aggregate classification.
Comment: The ATM c.4575A>G variant is predicted to result in the amino acid substitution p.Ile1525Met. To our knowledge, this variant has not been reported in the literature or in a large population database, indicating this variant is rare. This variant is classified as uncertain significance in ClinVar. At this time, the clinical significance of this variant is uncertain due to the absence of conclusive functional and genetic evidence.

NM_000051.4(ATM):c.4575A>G (p.Ile1525Met)

Gene: ATM (ATM serine/threonine kinase; plus strand). Cytogenetic location: 11q22.3.
Variant type: single nucleotide variant.
Coding change: c.4575A>G on transcript NM_000051.4 (MANE Select); coding-DNA position 4575, A replaced by G.
Protein change: p.Ile1525Met; replaces isoleucine 1525 with methionine.
Molecular consequence: missense variant.
Genome position (GRCh38, 1-based): chr11:108,292,757, A>G. VCF-style: chr11-108292757-A-G. GRCh37 (hg19) VCF-style: chr11-108163484-A-G.
Other names: c.4575A>G (NM_000051.3); c.4575A>G, p.Ile1525Met (NM_001351834.2); short protein forms I1525M.
Identifiers: ClinVar variation 1038637 (VCV001038637.10), dbSNP rs781539071, ClinGen allele CA382533914.